The following is an entry in ClinVar:

NM_000925.4(PDHB):c.448G>T (p.Ala150Ser)

Gene: PDHB (pyruvate dehydrogenase E1 subunit beta; minus strand). Cytogenetic location: 3p14.3.
Variant type: single nucleotide variant.
Coding change: c.448G>T on transcript NM_000925.4 (MANE Select); coding-DNA position 448, G replaced by T.
Protein change: p.Ala150Ser; replaces alanine 150 with serine.
Molecular consequence: missense variant. On other transcripts: non-coding transcript variant (1), intron variant (1).
Genome position (GRCh38, 1-based): chr3:58,430,798, C>A on the plus strand (G>T on the coding strand, the complement: PDHB is on the minus strand). VCF-style: chr3-58430798-C-A. GRCh37 (hg19) VCF-style: chr3-58416525-C-A.
Other names: c.394G>T, p.Ala132Ser (NM_001315536.2); c.404-10G>T (NM_001173468.2); short protein forms A150S, A132S.
Identifiers: ClinVar variation 346409 (VCV000346409.10), dbSNP rs139242990, ClinGen allele CA2471555.

ClinVar aggregate classification (germline): Uncertain significance. Review status: criteria provided, multiple submitters, no conflicts (2 of 4 stars). 4 submissions from 4 submitters: Uncertain significance (3). 1 of the submissions does not count toward it. Last evaluated 2025-10-10.

Conditions:
Pyruvate dehydrogenase complex deficiency (PDHC). Also called: PYRUVATE DECARBOXYLASE DEFICIENCY; Ataxia with lactic acidosis 1; PDH DEFICIENCY; Pyruvate Dehydrogenase Complex Deficiency Disease; Pyruvate dehydrogenase deficiency. Identifiers: Orphanet 765, Orphanet 79243, MedGen C0034345, MONDO:0019169.
Pyruvate dehydrogenase E1-beta deficiency (PDHBD). Identifiers: Orphanet 255138, Orphanet 765, MedGen C3279841, MONDO:0013580, OMIM 614111.

Allele frequency attached by ClinVar (database versions not stated): gnomAD exomes 0.00005; gnomAD 0.00005; ExAC 0.00005; TOPMed 0.00006; ESP Exome Variant Server 0.00008.

Submissions (4):

GeneDx
Classification: Uncertain significance. Last evaluated: 2025-10-10. Review status: criteria provided, single submitter. Criteria: GeneDx Variant Classification Process June 2021. Collection method: clinical testing. Allele origin: germline.
Comment: Has not been previously published as pathogenic or benign to our knowledge; Not observed at significant frequency in large population cohorts (gnomAD); In silico analysis suggests that this missense variant does not alter protein structure/function

Labcorp Genetics (formerly Invitae), Labcorp
Classification: Uncertain significance for Pyruvate dehydrogenase E1-beta deficiency. Last evaluated: 2021-08-20. Review status: criteria provided, single submitter. Criteria: Invitae Variant Classification Sherloc (09022015). Collection method: clinical testing. Allele origin: germline.
Comment: This sequence change replaces alanine with serine at codon 150 of the PDHB protein (p.Ala150Ser). The alanine residue is highly conserved and there is a moderate physicochemical difference between alanine and serine. This variant is present in population databases (rs139242990, ExAC 0.009%). This variant has not been reported in the literature in individuals affected with PDHB-related conditions. ClinVar contains an entry for this variant (Variation ID: 346409). Algorithms developed to predict the effect of missense changes on protein structure and function are either unavailable or do not agree on the potential impact of this missense change (SIFT: "Deleterious"; PolyPhen-2: "Benign"; Align-GVGD: "Class C0"). In summary, the available evidence is currently insufficient to determine the role of this variant in disease. Therefore, it has been classified as a Variant of Uncertain Significance.

Illumina Laboratory Services, Illumina
Classification: Uncertain significance for Pyruvate dehydrogenase E1-beta deficiency. Last evaluated: 2018-01-13. Review status: criteria provided, single submitter. Criteria: ICSL Variant Classification Criteria 13 December 2019. Collection method: clinical testing. Allele origin: germline.

Natera, Inc.
Classification: Uncertain significance for Pyruvate decarboxylase deficiency. Last evaluated: 2020-09-20. Review status: no assertion criteria provided. Collection method: clinical testing. Allele origin: germline. Not counted in ClinVar's aggregate classification.